The following is an entry in ClinVar:

NM_001252024.2(TRPM1):c.448G>T (p.Ala150Ser)

Gene: TRPM1 (transient receptor potential cation channel subfamily M member 1; minus strand). Cytogenetic location: 15q13.3.
Variant type: single nucleotide variant.
Coding change: c.448G>T on transcript NM_001252024.2 (MANE Select); coding-DNA position 448, G replaced by T.
Protein change: p.Ala150Ser; replaces alanine 150 with serine.
Molecular consequence: missense variant.
Genome position (GRCh38, 1-based): chr15:31,067,924, C>A on the plus strand (G>T on the coding strand, the complement: TRPM1 is on the minus strand). VCF-style: chr15-31067924-C-A. GRCh37 (hg19) VCF-style: chr15-31360127-C-A.
Other names: c.499G>T, p.Ala167Ser (NM_001252020.2); c.382G>T, p.Ala128Ser (NM_002420.6); c.382G>T (NM_002420.4); short protein forms A150S, A128S, A167S.
Identifiers: ClinVar variation 1046147 (VCV001046147.6), dbSNP rs779719013, ClinGen allele CA7452957.

ClinVar aggregate classification (germline): Uncertain significance. Review status: criteria provided, multiple submitters, no conflicts (2 of 4 stars). 3 submissions from 3 submitters: Uncertain significance (3). Last evaluated 2025-10-28.

Conditions:
Inborn genetic diseases. Identifiers: MedGen C0950123, MeSH D030342.

Allele frequency attached by ClinVar (database versions not stated): ExAC 0.00002; gnomAD 0.00003 and 0.00004; gnomAD exomes 0.00003; TOPMed 0.00003.
gnomAD v4.1: 163 of 1,613,786 alleles (0.01%); highest among the groups gnomAD compares: Non-Finnish European, 0.013%; no homozygotes.

Submissions (3):

Labcorp Genetics (formerly Invitae), Labcorp
Classification: Uncertain significance. Last evaluated: 2025-10-28. Review status: criteria provided, single submitter. Criteria: Invitae Variant Classification Sherloc (09022015). Collection method: clinical testing. Allele origin: germline.
Comment: This sequence change replaces alanine, which is neutral and non-polar, with serine, which is neutral and polar, at codon 128 of the TRPM1 protein (p.Ala128Ser). This variant is present in population databases (rs779719013, gnomAD 0.009%). This variant has not been reported in the literature in individuals affected with TRPM1-related conditions. ClinVar contains an entry for this variant (Variation ID: 1046147). Invitae Evidence Modeling of protein sequence and biophysical properties (such as structural, functional, and spatial information, amino acid conservation, physicochemical variation, residue mobility, and thermodynamic stability) indicates that this missense variant is not expected to disrupt TRPM1 protein function with a negative predictive value of 95%. In summary, the available evidence is currently insufficient to determine the role of this variant in disease. Therefore, it has been classified as a Variant of Uncertain Significance.

Blueprint Genetics
Classification: Uncertain significance. Last evaluated: 2024-06-07. Review status: criteria provided, single submitter. Criteria: ACMG Guidelines, 2015. Collection method: clinical testing. Allele origin: germline.

Ambry Genetics
Classification: Uncertain significance for Inborn genetic diseases. Last evaluated: 2023-12-17. Review status: criteria provided, single submitter. Criteria: Ambry Variant Classification Scheme 2023. Collection method: clinical testing. Allele origin: germline.